The following is an entry in ClinVar:

NM_152328.5(ADSS1):c.476+3A>C

Gene: ADSS1 (adenylosuccinate synthase 1; plus strand). Cytogenetic location: 14q32.33.
Variant type: single nucleotide variant.
Coding change: c.476+3A>C on transcript NM_152328.5 (MANE Select); 3 bases into the intron after coding-DNA position 476, A replaced by C.
Molecular consequence: intron variant.
Genome position (GRCh38, 1-based): chr14:104,739,819, A>C. VCF-style: chr14-104739819-A-C. GRCh37 (hg19) VCF-style: chr14-105206156-A-C.
Other names: c.605+3A>C (NM_199165.2); c.-140+3A>C (NM_001320424.1).
Identifiers: ClinVar variation 2151313 (VCV002151313.1), dbSNP rs373708293, ClinGen allele CA7373699.

ClinVar aggregate classification (germline): Uncertain significance (1 of 4 stars; one submission).

Allele frequency attached by ClinVar (database versions not stated): ExAC 0.00001; gnomAD exomes 0.00001; ESP Exome Variant Server 0.00008; gnomAD 0.00017; TOPMed 0.00019.
gnomAD v4.1: 42 of 1,613,650 alleles (0.0026%); highest among the groups gnomAD compares: African/African-American, 0.048%; no homozygotes.

Submission:

Labcorp Genetics (formerly Invitae), Labcorp
Classification: Uncertain significance. Last evaluated: 2022-02-04. Review status: criteria provided, single submitter. Criteria: Invitae Variant Classification Sherloc (09022015). Collection method: clinical testing. Allele origin: germline.
Comment: This sequence change falls in intron 5 of the ADSSL1 gene. It does not directly change the encoded amino acid sequence of the ADSSL1 protein. It affects a nucleotide within the consensus splice site. This variant is present in population databases (rs373708293, gnomAD 0.03%). This variant has not been reported in the literature in individuals affected with ADSSL1-related conditions. Variants that disrupt the consensus splice site are a relatively common cause of aberrant splicing (PMID: 17576681, 9536098). Experimental studies and prediction algorithms are not available or were not evaluated, and the effect of this variant on mRNA splicing is currently unknown. In summary, the available evidence is currently insufficient to determine the role of this variant in disease. Therefore, it has been classified as a Variant of Uncertain Significance.

Literature cited by the submitters: PubMed 17576681; PubMed 9536098.